The following is an entry in ClinVar:

ClinVar aggregate classification (germline): Uncertain significance (1 of 4 stars; one submission).

Conditions:
Cortical dysplasia-focal epilepsy syndrome (PTHSL1). Also called: Pitt-Hopkins-like syndrome 1. Identifiers: Orphanet 163681, Orphanet 221150, MedGen C2750246, MONDO:0012400, OMIM 610042.

Allele frequency attached by ClinVar (database versions not stated): TOPMed 0.00002; gnomAD 0.00003 and 0.00004.
gnomAD v4.1: 7 of 1,613,628 alleles (0.00043%); highest among the groups gnomAD compares: African/African-American, 0.0093%; no homozygotes.

Submission:

Labcorp Genetics (formerly Invitae), Labcorp
Classification: Uncertain significance for Cortical dysplasia-focal epilepsy syndrome. Last evaluated: 2021-10-12. Review status: criteria provided, single submitter. Criteria: Invitae Variant Classification Sherloc (09022015). Collection method: clinical testing. Allele origin: germline.
Comment: This sequence change replaces isoleucine with serine at codon 236 of the CNTNAP2 protein (p.Ile236Ser). The isoleucine residue is moderately conserved and there is a large physicochemical difference between isoleucine and serine. This variant is present in population databases (rs749945304, ExAC 0.02%). This variant has not been reported in the literature in individuals affected with CNTNAP2-related conditions. Algorithms developed to predict the effect of missense changes on protein structure and function are either unavailable or do not agree on the potential impact of this missense change (SIFT: "Deleterious"; PolyPhen-2: "Probably Damaging"; Align-GVGD: "Class C0"). In summary, the available evidence is currently insufficient to determine the role of this variant in disease. Therefore, it has been classified as a Variant of Uncertain Significance.

NM_014141.6(CNTNAP2):c.707T>G (p.Ile236Ser)

Gene: CNTNAP2 (contactin associated protein 2; plus strand). Cytogenetic location: 7q35.
Variant type: single nucleotide variant.
Coding change: c.707T>G on transcript NM_014141.6 (MANE Select); coding-DNA position 707, T replaced by G.
Protein change: p.Ile236Ser; replaces isoleucine 236 with serine.
Molecular consequence: missense variant.
Genome position (GRCh38, 1-based): chr7:147,108,303, T>G. VCF-style: chr7-147108303-T-G. GRCh37 (hg19) VCF-style: chr7-146805395-T-G.
Other names: short protein forms I236S.
Identifiers: ClinVar variation 536315 (VCV000536315.6), dbSNP rs749945304, ClinGen allele CA4545866.